The following is an entry in ClinVar:

ClinVar aggregate classification (germline): Uncertain significance. Review status: criteria provided, multiple submitters, no conflicts (2 of 4 stars). 3 submissions from 3 submitters: Uncertain significance (3). Last evaluated 2024-05-20.

Conditions:
Short-rib thoracic dysplasia 10 with or without polydactyly (SRTD10). Identifiers: Orphanet 474, MedGen C3810175, MONDO:0014284, OMIM 615630.
Retinitis pigmentosa 71 (RP71). Identifiers: Orphanet 791, MedGen C4225342, MONDO:0014618, OMIM 616394.
Retinal dystrophy. Also called: Inherited retinal dystrophy. Identifiers: Orphanet 71862, MedGen C0854723, MeSH D058499, MONDO:0019118, HP:0000556.
Inborn genetic diseases. Identifiers: MedGen C0950123, MeSH D030342.

Allele frequency attached by ClinVar (database versions not stated): gnomAD exomes 0.00002; ExAC 0.00003.
gnomAD v4.1: 8 of 1,613,012 alleles (0.0005%); highest among the groups gnomAD compares: East Asian, 0.018%; no homozygotes.

Submissions (3):

Ambry Genetics
Classification: Uncertain significance for Inborn genetic diseases. Last evaluated: 2024-05-20. Review status: criteria provided, single submitter. Criteria: Ambry Variant Classification Scheme 2023. Collection method: clinical testing. Allele origin: germline.

Dept Of Ophthalmology, Nagoya University
Classification: Uncertain significance for Retinal dystrophy. Last evaluated: 2023-10-01. Review status: criteria provided, single submitter. Criteria: Submitter's publication. Collection method: research. Allele origin: germline. Affected: yes.

Labcorp Genetics (formerly Invitae), Labcorp
Classification: Uncertain significance for Retinitis pigmentosa 71; Short-rib thoracic dysplasia 10 with or without polydactyly. Last evaluated: 2021-07-17. Review status: criteria provided, single submitter. Criteria: Invitae Variant Classification Sherloc (09022015). Collection method: clinical testing. Allele origin: germline.
Comment: In summary, the available evidence is currently insufficient to determine the role of this variant in disease. Therefore, it has been classified as a Variant of Uncertain Significance. Algorithms developed to predict the effect of missense changes on protein structure and function are either unavailable or do not agree on the potential impact of this missense change (SIFT: "Deleterious"; PolyPhen-2: "Probably Damaging"; Align-GVGD: "Class C0"). This variant has not been reported in the literature in individuals affected with IFT172-related conditions. This variant is present in population databases (rs748125718, ExAC 0.05%). This sequence change replaces tryptophan with arginine at codon 860 of the IFT172 protein (p.Trp860Arg). The tryptophan residue is highly conserved and there is a moderate physicochemical difference between tryptophan and arginine.

NM_015662.3(IFT172):c.2578T>C (p.Trp860Arg)

Genes: IFT172 (intraflagellar transport 172; minus strand), LOC126806174 (CDK7 strongly-dependent group 2 enhancer GRCh37_chr2:27681686-27682885; plus strand). Cytogenetic location: 2p23.3.
Variant type: single nucleotide variant.
Coding change: c.2578T>C on transcript NM_015662.3 (MANE Select); coding-DNA position 2578, T replaced by C.
Protein change: p.Trp860Arg; replaces tryptophan 860 with arginine.
Molecular consequence: missense variant.
Genome position (GRCh38, 1-based): chr2:27,459,773, A>G on the plus strand (T>C on the coding strand, the complement: IFT172 is on the minus strand). VCF-style: chr2-27459773-A-G. GRCh37 (hg19) VCF-style: chr2-27682640-A-G.
Other names: c.2578T>C (NM_015662.1); short protein forms W860R.
Identifiers: ClinVar variation 1421060 (VCV001421060.9), dbSNP rs748125718, ClinGen allele CA1580248.
Genomic context (GRCh38, chr2:27,459,773, plus strand): 5'-CTTCGATGTAGTGATTAATGGCTGCATCAAGCTGCTTCTGCTGCACCAGGTGGTCCCCCC[A>G]TGCCTCCTCTAGTTTCACCACCTCCACTGGGAAGGCCAATCGAGCCAGCTCTACCGCTGC-3'
Protein context (NP_056477.1, residues 850-870): PVEVVKLEEA[Trp860Arg]GDHLVQQKQL